The following is an entry in ClinVar:

ClinVar aggregate classification (germline): Uncertain significance (1 of 4 stars; one submission).

Conditions:
Hereditary breast ovarian cancer syndrome. Also called: Hereditary breast and ovarian cancer syndrome (HBOC); Hereditary breast and ovarian cancer; Breast and ovarian cancer; Hereditary breast and/or ovarian cancer syndrome; BRCA1- and BRCA2-Associated Hereditary Breast and Ovarian Cancer; Hereditary breast and ovarian cancer syndrome. Identifiers: Orphanet 145, MedGen C0677776, MeSH D061325, MONDO:0003582. Disease mechanism: loss of function.

Submission:

Labcorp Genetics (formerly Invitae), Labcorp
Classification: Uncertain significance for Hereditary breast ovarian cancer syndrome. Last evaluated: 2025-03-09. Review status: criteria provided, single submitter. Criteria: Invitae Variant Classification Sherloc (09022015). Collection method: clinical testing. Allele origin: germline.
Comment: This sequence change replaces glutamic acid, which is acidic and polar, with valine, which is neutral and non-polar, at codon 255 of the BRCA1 protein (p.Glu255Val). This variant is not present in population databases (gnomAD no frequency). This variant has not been reported in the literature in individuals affected with BRCA1-related conditions. Invitae Evidence Modeling of protein sequence and biophysical properties (such as structural, functional, and spatial information, amino acid conservation, physicochemical variation, residue mobility, and thermodynamic stability) indicates that this missense variant is expected to disrupt BRCA1 protein function with a positive predictive value of 80%. In summary, the available evidence is currently insufficient to determine the role of this variant in disease. Therefore, it has been classified as a Variant of Uncertain Significance.

NM_007294.4(BRCA1):c.764A>T (p.Glu255Val)

Gene: BRCA1 (BRCA1 DNA repair associated; minus strand). Cytogenetic location: 17q21.31.
Variant type: single nucleotide variant.
Coding change: c.764A>T on transcript NM_007294.4 (MANE Select); coding-DNA position 764, A replaced by T.
Protein change: p.Glu255Val; replaces glutamic acid 255 with valine.
Molecular consequence: missense variant. On other transcripts: 5 prime UTR variant (2), intron variant (13).
Genome position (GRCh38, 1-based): chr17:43,094,767, T>A on the plus strand (A>T on the coding strand, the complement: BRCA1 is on the minus strand). VCF-style: chr17-43094767-T-A. GRCh37 (hg19) VCF-style: chr17-41246784-T-A.
Other names: c.428A>T, p.Glu143Val (NM_001408508.1, NM_001408509.1, NM_001407954.1 and 3 more transcripts); c.431A>T, p.Glu144Val (NM_001407950.1, NM_001407952.1, NM_001407951.1 and 7 more transcripts); c.383A>T, p.Glu128Val (NM_001408510.1, NM_001407959.1, NM_001407960.1 and 1 more transcripts); c.260A>T, p.Glu87Val (NM_001408512.1, NM_001407965.1); c.554A>T, p.Glu185Val (NM_001408513.1, NM_001408514.1, NM_001408478.1 and 25 more transcripts); c.623A>T, p.Glu208Val (NM_007297.4, NM_001408410.1, NM_001408452.1 and 43 more transcripts); c.764A>T, p.Glu255Val (NM_007298.4, NM_007299.4, NM_001407968.1 and 53 more transcripts); c.380A>T, p.Glu127Val (NM_001407962.1); and 20 more; short protein forms E127V, E128V, E143V, E144V, E166V, E167V, E184V, E185V.
Identifiers: ClinVar variation 4800865 (VCV004800865.1).
Genomic context (GRCh38, chr17:43,094,767, plus strand): 5'-CCACATGGCTCCACATGCAAGTTTGAAACAGAACTACCCTGATACTTTTCTGGATGCCTC[T>A]CAGCTGCACGCTTCTCAGTGGTGTTCAAATCATTATTACTGGGTTGATGATGTTCAGTAT-3'
Protein context (NP_009225.1, residues 245-265): DLNTTEKRAA[Glu255Val]RHPEKYQGSS